The following is an entry in ClinVar:

ClinVar aggregate classification (germline): conflicting data from submitters (0 of 4 stars; one submission).

Submission:

ISCA Site 6
Classification: conflicting data from submitters. Review status: no assertion criteria provided. Collection method: clinical testing. Allele origin: unknown. Affected: yes. Observed: 2 variant alleles.
Comment: Likely pathogenic(1), Uncertain significance(1)

Copy number variation identified through the course of routine clinical cytogenomic testing in postnatal populations, with clinical assertions as classified by the original submitter. For data from the original published study, Kaminsky, et al. 2011 (PubMed 21844811), please see nstd101.

GRCh37/hg19 12q23.1(chr12:99701065-100103905)x1

Genes: ANKS1B (ankyrin repeat and sterile alpha motif domain containing 1B; minus strand), GARIN6 (golgi associated RAB2 interactor family member 6; plus strand). Cytogenetic location: 12q23.1.
Variant type: copy number loss.
Change: copy number 1 (one copy instead of two) of chr12:99,701,065-100,103,905 (402.8 kb, GRCh37 coordinates, 1-based), cytogenetic band 12q23.1.
Identifiers: ClinVar variation 394784 (VCV000394784.4).